The following is an entry in ClinVar:

ClinVar aggregate classification (germline): Likely benign. Review status: criteria provided, multiple submitters, no conflicts (2 of 4 stars). 4 submissions from 4 submitters: Likely benign (4). Last evaluated 2025-11-26.

Conditions:
DCHS1-related disorder. Also called: DCHS1-related condition.
Inborn genetic diseases. Identifiers: MedGen C0950123, MeSH D030342.

Allele frequency attached by ClinVar (database versions not stated): TOPMed 0.00240; 1000 Genomes Project 30x 0.00031; ExAC 0.00035; 1000 Genomes Project 0.00040; ESP Exome Variant Server 0.00092; gnomAD 0.00118.
gnomAD v4.1: 298 of 1,612,784 alleles (0.018%); highest among the groups gnomAD compares: African/African-American, 0.36%; no homozygotes.

Submissions (4):

PreventionGenetics, part of Exact Sciences
Classification: Likely benign for DCHS1-related condition. Last evaluated: 2025-11-26. Review status: criteria provided, single submitter. Criteria: ACMG Guidelines, 2015. Collection method: clinical testing. Allele origin: germline.
Comment: This variant is classified as likely benign based on ACMG/AMP sequence variant interpretation guidelines (Richards et al. 2015 PMID: 25741868, with internal and published modifications).

Labcorp Genetics (formerly Invitae), Labcorp
Classification: Likely benign. Last evaluated: 2025-09-22. Review status: criteria provided, single submitter. Criteria: Invitae Variant Classification Sherloc (09022015). Collection method: clinical testing. Allele origin: germline.

Ambry Genetics
Classification: Likely benign for Inborn genetic diseases. Last evaluated: 2022-09-22. Review status: criteria provided, single submitter. Criteria: Ambry Variant Classification Scheme 2023. Collection method: clinical testing. Allele origin: germline.

GeneDx
Classification: Likely benign. Last evaluated: 2020-01-08. Review status: criteria provided, single submitter. Criteria: GeneDx Variant Classification Process June 2021. Collection method: clinical testing. Allele origin: germline. Affected: yes.

NM_003737.4(DCHS1):c.2755C>T (p.Leu919Phe)

Gene: DCHS1 (dachsous cadherin-related 1; minus strand). Cytogenetic location: 11p15.4.
Variant type: single nucleotide variant.
Coding change: c.2755C>T on transcript NM_003737.4 (MANE Select); coding-DNA position 2755, C replaced by T.
Protein change: p.Leu919Phe; replaces leucine 919 with phenylalanine.
Molecular consequence: missense variant.
Genome position (GRCh38, 1-based): chr11:6,632,757, G>A on the plus strand (C>T on the coding strand, the complement: DCHS1 is on the minus strand). VCF-style: chr11-6632757-G-A. GRCh37 (hg19) VCF-style: chr11-6653988-G-A.
Other names: c.2755C>T (NM_003737.2); short protein forms L919F.
Identifiers: ClinVar variation 791310 (VCV000791310.13), dbSNP rs148008642, ClinGen allele CA5860661.